The following is an entry in ClinVar:

NM_001122681.2(SH3BP2):c.665G>A (p.Arg222Gln)

Gene: SH3BP2 (SH3 domain binding protein 2; plus strand). Cytogenetic location: 4p16.3.
Variant type: single nucleotide variant.
Coding change: c.665G>A on transcript NM_001122681.2 (MANE Select); coding-DNA position 665, G replaced by A.
Protein change: p.Arg222Gln; replaces arginine 222 with glutamine.
Molecular consequence: missense variant.
Genome position (GRCh38, 1-based): chr4:2,829,571, G>A. VCF-style: chr4-2829571-G-A. GRCh37 (hg19) VCF-style: chr4-2831298-G-A.
Other names: c.749G>A, p.Arg250Gln (NM_001145855.2); c.836G>A, p.Arg279Gln (NM_001145856.2); c.665G>A, p.Arg222Gln (NM_003023.4); short protein forms R222Q, R250Q, R279Q.
Identifiers: ClinVar variation 2161682 (VCV002161682.4), dbSNP rs756724332, ClinGen allele CA2819293.

ClinVar aggregate classification (germline): Uncertain significance (1 of 4 stars; one submission).

Conditions:
Fibrous dysplasia of jaw (CRBM). Also called: Cherubism. Identifiers: Orphanet 184, MedGen C0008029, MONDO:0007315, OMIM 118400.

Allele frequency attached by ClinVar (database versions not stated): gnomAD exomes below 0.00001; TOPMed below 0.00001; ExAC 0.00001.
gnomAD v4.1: 7 of 1,612,266 alleles (0.00043%); highest among the groups gnomAD compares: South Asian, 0.0011%; no homozygotes.

Submission:

Labcorp Genetics (formerly Invitae), Labcorp
Classification: Uncertain significance for Fibrous dysplasia of jaw. Last evaluated: 2025-10-27. Review status: criteria provided, single submitter. Criteria: Invitae Variant Classification Sherloc (09022015). Collection method: clinical testing. Allele origin: germline.
Comment: This sequence change replaces arginine, which is basic and polar, with glutamine, which is neutral and polar, at codon 222 of the SH3BP2 protein (p.Arg222Gln). This variant is present in population databases (rs756724332, gnomAD 0.0009%). This variant has not been reported in the literature in individuals affected with SH3BP2-related conditions. ClinVar contains an entry for this variant (Variation ID: 2161682). Invitae Evidence Modeling of protein sequence and biophysical properties (such as structural, functional, and spatial information, amino acid conservation, physicochemical variation, residue mobility, and thermodynamic stability) indicates that this missense variant is not expected to disrupt SH3BP2 protein function with a negative predictive value of 95%. In summary, the available evidence is currently insufficient to determine the role of this variant in disease. Therefore, it has been classified as a Variant of Uncertain Significance.